The following is an entry in ClinVar:

ClinVar aggregate classification (germline): Uncertain significance (1 of 4 stars; one submission).

Conditions:
Sulfite oxidase deficiency due to molybdenum cofactor deficiency type C. Also called: Molybdenum cofactor deficiency, complementation group C; Molybdenum cofactor deficiency C. Identifiers: Orphanet 308400, Orphanet 833, MedGen C1854990, MONDO:0014212, OMIM 615501.

Submission:

Labcorp Genetics (formerly Invitae), Labcorp
Classification: Uncertain significance for Sulfite oxidase deficiency due to molybdenum cofactor deficiency type C. Last evaluated: 2022-07-19. Review status: criteria provided, single submitter. Criteria: Invitae Variant Classification Sherloc (09022015). Collection method: clinical testing. Allele origin: germline.
Comment: This variant results in a copy number gain of the genomic region encompassing exon(s) 1 of the GPHN gene. This region includes the initiator codon of the gene. This copy number gain extends beyond the assayed region for this gene and therefore may encompass additional genes. As the precise location of this event is unknown, it may be in tandem or it may be located elsewhere in the genome. This variant has not been reported in the literature in individuals affected with GPHN-related conditions. In summary, the available evidence is currently insufficient to determine the role of this variant in disease. Therefore, it has been classified as a Variant of Uncertain Significance.

NC_000014.8:g.(?_66975246)_(66975329_?)dup

Gene: GPHN (gephyrin; plus strand). Cytogenetic location: 14q23.3.
Variant type: Duplication.
Identifiers: ClinVar variation 2426616 (VCV002426616.3).